The following is an entry in ClinVar:

ClinVar aggregate classification (germline): Uncertain significance. Review status: criteria provided, multiple submitters, no conflicts (2 of 4 stars). 2 submissions from 2 submitters: Uncertain significance (2). Last evaluated 2025-08-20.

Conditions:
Inborn genetic diseases. Identifiers: MedGen C0950123, MeSH D030342.

gnomAD v4.1: 84 of 1,607,390 alleles (0.0052%); highest among the groups gnomAD compares: Non-Finnish European, 0.0069%; no homozygotes.

Submissions (2):

Ambry Genetics
Classification: Uncertain significance for Inborn genetic diseases. Last evaluated: 2025-08-20. Review status: criteria provided, single submitter. Criteria: Ambry Variant Classification Scheme 2023. Collection method: clinical testing. Allele origin: germline.

GeneDx
Classification: Uncertain significance. Last evaluated: 2024-10-28. Review status: criteria provided, single submitter. Criteria: GeneDx Variant Classification Process June 2021. Collection method: clinical testing. Allele origin: germline. Affected: yes.
Comment: Not observed at significant frequency in large population cohorts (gnomAD); In silico analysis indicates that this missense variant does not alter protein structure/function; Has not been previously published as pathogenic or benign to our knowledge

NM_001128228.3(TPRN):c.1894C>T (p.Leu632Phe)

Gene: TPRN (taperin; minus strand). Cytogenetic location: 9q34.3.
Variant type: single nucleotide variant.
Coding change: c.1894C>T on transcript NM_001128228.3 (MANE Select); coding-DNA position 1894, C replaced by T.
Protein change: p.Leu632Phe; replaces leucine 632 with phenylalanine.
Molecular consequence: missense variant.
Genome position (GRCh38, 1-based): chr9:137,192,523, G>A on the plus strand (C>T on the coding strand, the complement: TPRN is on the minus strand). VCF-style: chr9-137192523-G-A. GRCh37 (hg19) VCF-style: chr9-140086975-G-A.
Other names: short protein forms L632F.
Identifiers: ClinVar variation 3893396 (VCV003893396.2).